The following is an entry in ClinVar:

NM_001845.6(COL4A1):c.4667T>C (p.Met1556Thr)

Gene: COL4A1 (collagen type IV alpha 1 chain; minus strand). Cytogenetic location: 13q34.
Variant type: single nucleotide variant.
Coding change: c.4667T>C on transcript NM_001845.6 (MANE Select); coding-DNA position 4667, T replaced by C.
Protein change: p.Met1556Thr; replaces methionine 1556 with threonine.
Molecular consequence: missense variant.
Genome position (GRCh38, 1-based): chr13:110,155,371, A>G on the plus strand (T>C on the coding strand, the complement: COL4A1 is on the minus strand). VCF-style: chr13-110155371-A-G. GRCh37 (hg19) VCF-style: chr13-110807718-A-G.
Other names: short protein forms M1556T.
Identifiers: ClinVar variation 3901575 (VCV003901575.1).

ClinVar aggregate classification (germline): Uncertain significance (1 of 4 stars; one submission).

Submission:

GeneDx
Classification: Uncertain significance. Last evaluated: 2024-11-15. Review status: criteria provided, single submitter. Criteria: GeneDx Variant Classification Process June 2021. Collection method: clinical testing. Allele origin: germline. Affected: yes.
Comment: Not observed at significant frequency in large population cohorts (gnomAD); In silico analysis supports that this missense variant has a deleterious effect on protein structure/function; Has not been previously published as pathogenic or benign to our knowledge